The following is an entry in ClinVar:

ClinVar aggregate classification (germline): Uncertain significance. Review status: criteria provided, multiple submitters, no conflicts (2 of 4 stars). 2 submissions from 2 submitters: Uncertain significance (2). Last evaluated 2022-02-10.

Conditions:
Early Myoclonic Encephalopathy. Identifiers: MedGen C0270855.

Allele frequency attached by ClinVar (database versions not stated): gnomAD exomes 0.00001 and 0.00003; ExAC 0.00004; gnomAD 0.00010 and 0.00009; ESP Exome Variant Server 0.00017; TOPMed 0.00009.
gnomAD v4.1: 22 of 1,614,034 alleles (0.0014%); highest among the groups gnomAD compares: African/African-American, 0.025%; no homozygotes.

Submissions (2):

Ambry Genetics
Classification: Uncertain significance. Last evaluated: 2022-02-10. Review status: criteria provided, single submitter. Criteria: Ambry Variant Classification Scheme 2023. Collection method: clinical testing. Allele origin: germline.

Labcorp Genetics (formerly Invitae), Labcorp
Classification: Uncertain significance for Early Myoclonic Encephalopathy. Last evaluated: 2021-11-30. Review status: criteria provided, single submitter. Criteria: Invitae Variant Classification Sherloc (09022015). Collection method: clinical testing. Allele origin: germline.
Comment: In summary, the available evidence is currently insufficient to determine the role of this variant in disease. Therefore, it has been classified as a Variant of Uncertain Significance. Algorithms developed to predict the effect of missense changes on protein structure and function (SIFT, PolyPhen-2, Align-GVGD) all suggest that this variant is likely to be tolerated. ClinVar contains an entry for this variant (Variation ID: 529707). This variant has not been reported in the literature in individuals affected with JMJD1C-related conditions. This variant is present in population databases (rs376454657, gnomAD 0.02%). This sequence change replaces glutamic acid, which is acidic and polar, with glutamine, which is neutral and polar, at codon 2046 of the JMJD1C protein (p.Glu2046Gln).

NM_032776.3(JMJD1C):c.6136G>C (p.Glu2046Gln)

Gene: JMJD1C (jumonji domain containing 1C; minus strand). Cytogenetic location: 10q21.3.
Variant type: single nucleotide variant.
Coding change: c.6136G>C on transcript NM_032776.3 (MANE Select); coding-DNA position 6136, G replaced by C.
Protein change: p.Glu2046Gln; replaces glutamic acid 2046 with glutamine.
Molecular consequence: missense variant. On other transcripts: non-coding transcript variant (1).
Genome position (GRCh38, 1-based): chr10:63,191,049, C>G on the plus strand (G>C on the coding strand, the complement: JMJD1C is on the minus strand). VCF-style: chr10-63191049-C-G. GRCh37 (hg19) VCF-style: chr10-64950809-C-G.
Other names: c.5590G>C, p.Glu1864Gln (NM_001282948.2, NM_001318154.2); c.5272G>C, p.Glu1758Gln (NM_001318153.2); c.6022G>C, p.Glu2008Gln (NM_001322252.2); c.5479G>C, p.Glu1827Gln (NM_001322254.2, NM_001322258.2); c.6136G>C (NM_032776.1); short protein forms E2046Q, E1864Q, E1827Q, E1758Q, E2008Q.
Identifiers: ClinVar variation 529707 (VCV000529707.9), dbSNP rs376454657, ClinGen allele CA5517928.